The following is an entry in ClinVar:

ClinVar aggregate classification (germline): Benign/Likely benign. Review status: criteria provided, multiple submitters, no conflicts (2 of 4 stars). 4 submissions from 4 submitters: Benign (1); Likely benign (3). Last evaluated 2026-03-28.

Conditions:
Cardiovascular phenotype. Identifiers: MedGen CN230736.
Catecholaminergic polymorphic ventricular tachycardia (CVPT). Also called: Catecholamine-induced polymorphic ventricular tachycardia. Identifiers: Orphanet 3286, MedGen C5574922, MONDO:0017990.
Cardiomyopathy (CMYO). Also called: Cardiomyopathies. Identifiers: Orphanet 167848, MedGen C0878544, MONDO:0004994, HP:0001638. Inheritance: Various modes of inheritance.
Catecholaminergic polymorphic ventricular tachycardia 1. Also called: VENTRICULAR TACHYCARDIA, STRESS-INDUCED POLYMORPHIC 1; VENTRICULAR TACHYCARDIA, CATECHOLAMINERGIC POLYMORPHIC, 1, WITH OR WITHOUT ATRIAL DYSFUNCTION AND/OR DILATED CARDIOMYOPATHY; RYR2-Related Catecholaminergic Polymorphic Ventricular Tachycardia. Identifiers: Orphanet 3286, MedGen C1631597, MONDO:0011484, OMIM 604772.

Allele frequency attached by ClinVar (database versions not stated): gnomAD exomes 0.00001 and 0.00008; gnomAD 0.00003 and 0.00004; ExAC 0.00011; TOPMed 0.00002.
gnomAD v4.1: 16 of 1,565,202 alleles (0.001%); highest among the groups gnomAD compares: East Asian, 0.033%; no homozygotes.

Submissions (4):

Ambry Genetics
Classification: Likely benign for Cardiovascular phenotype. Last evaluated: 2026-03-28. Review status: criteria provided, single submitter. Criteria: Ambry Variant Classification Scheme 2023. Collection method: clinical testing. Allele origin: germline.

Labcorp Genetics (formerly Invitae), Labcorp
Classification: Benign for Catecholaminergic polymorphic ventricular tachycardia 1. Last evaluated: 2025-10-01. Review status: criteria provided, single submitter. Criteria: Invitae Variant Classification Sherloc (09022015). Collection method: clinical testing. Allele origin: germline.

All of Us Research Program, National Institutes of Health
Classification: Likely benign for Catecholaminergic polymorphic ventricular tachycardia. Last evaluated: 2024-02-05. Review status: criteria provided, single submitter. Criteria: ACMG Guidelines, 2015. Collection method: clinical testing. Allele origin: germline. Inheritance: Autosomal dominant inheritance. Observed: 1 variant allele, 1 heterozygote.
Comment: This study involves interpretation of variants in research participants for the purpose of population health screening. Participant phenotype was not available at the time of variant classification. Additional details can be found in publication PMID: 35346344, PMCID: PMC8962531

Color Diagnostics, LLC DBA Color Health
Classification: Likely benign for Cardiomyopathy. Last evaluated: 2018-12-03. Review status: criteria provided, single submitter. Criteria: ACMG Guidelines, 2015. Collection method: clinical testing. Allele origin: germline.

NM_001035.3(RYR2):c.348A>G (p.Gly116=)

Gene: RYR2 (ryanodine receptor 2; plus strand). Cytogenetic location: 1q43.
Variant type: single nucleotide variant.
Coding change: c.348A>G on transcript NM_001035.3 (MANE Select); coding-DNA position 348, A replaced by G.
Protein change: p.Gly116=; no amino-acid change (glycine 116 retained).
Molecular consequence: synonymous variant.
Genome position (GRCh38, 1-based): chr1:237,369,572, A>G. VCF-style: chr1-237369572-A-G. GRCh37 (hg19) VCF-style: chr1-237532872-A-G.
Other names: c.348A>G (NM_001035.2).
Identifiers: ClinVar variation 927983 (VCV000927983.13), dbSNP rs775744289, ClinGen allele CA086398.